The following is an entry in ClinVar:

NM_003001.5(SDHC):c.10C>T (p.Leu4=)

Gene: SDHC (succinate dehydrogenase complex subunit C; plus strand). Cytogenetic location: 1q23.3.
Variant type: single nucleotide variant.
Coding change: c.10C>T on transcript NM_003001.5 (MANE Select); coding-DNA position 10, C replaced by T.
Protein change: p.Leu4=; no amino-acid change (leucine 4 retained).
Molecular consequence: synonymous variant. On other transcripts: 5 prime UTR variant (2), non-coding transcript variant (1).
Genome position (GRCh38, 1-based): chr1:161,314,415, C>T. VCF-style: chr1-161314415-C-T. GRCh37 (hg19) VCF-style: chr1-161284205-C-T.
Other names: c.10C>T, p.Leu4= (NM_001035511.3, NM_001035512.3, NM_001035513.3 and 6 more transcripts); c.-551C>T (NM_001407119.1); c.-220C>T (NM_001407120.1).
Identifiers: ClinVar variation 2926321 (VCV002926321.7), dbSNP rs770796603, ClinGen allele CA045667.
Genomic context (GRCh38, chr1:161,314,415, plus strand): 5'-CTCGGGTGGCGGGGCCGCCTGGCGTCACTTCCGTCCAGACCGGAACCCAAGATGGCTGCG[C>T]TGTTGCTGAGGTGACTTCAGTGGGACTGGGAGTTGGTGCCTGCGGCCCTCCGGAGATCTG-3'
Protein context (NP_002992.1, residues 1-14): MAA[Leu4=]LLRHVGRHCL

ClinVar aggregate classification (germline): Benign/Likely benign. Review status: criteria provided, multiple submitters, no conflicts (2 of 4 stars). 5 submissions from 5 submitters: Benign (1); Likely benign (4). Last evaluated 2025-05-30.

Conditions:
Pheochromocytoma/paraganglioma syndrome 3. Also called: Paragangliomas 3; SDHC-Related Hereditary Paraganglioma-Pheochromocytoma Syndrome (Paragangliomas 3); SDHC-Related Hereditary Paraganglioma-Pheochromocytoma Syndrome; GLOMUS TUMORS, FAMILIAL, 3. Identifiers: Orphanet 29072, MedGen C1854336, MONDO:0011544, OMIM 605373.
Gastrointestinal stromal tumor. Also called: Gastrointestinal stroma tumor; Gastrointestinal stromal tumor, somatic. Identifiers: Orphanet 44890, MedGen C0238198, MeSH D046152, MONDO:0011719, OMIM 606764, HP:0100723.
Hereditary cancer-predisposing syndrome. Also called: Hereditary neoplastic syndrome; Tumor predisposition; Neoplastic Syndromes, Hereditary; Hereditary Cancer Syndrome. Identifiers: Orphanet 140162, MedGen C0027672, MeSH D009386, MONDO:0015356.
Hereditary pheochromocytoma and paraganglioma. Also called: Hereditary pheochromocytoma-paraganglioma; Hereditary Paraganglioma-Pheochromocytoma Syndromes; Hereditary paragangliomas and pheochromocytomas. Identifiers: Orphanet 29072, MedGen C4274332, MONDO:0017366.

Allele frequency attached by ClinVar (database versions not stated): gnomAD exomes below 0.00001; ExAC 0.00002.
gnomAD v4.1: 1 of 1,613,112 alleles (0.000062%); highest among the groups gnomAD compares: Non-Finnish European, 0.000085%; no homozygotes.

Submissions (5):

Color Diagnostics, LLC DBA Color Health
Classification: Likely benign for Hereditary pheochromocytoma and paraganglioma. Last evaluated: 2025-05-30. Review status: criteria provided, single submitter. Criteria: ACMG Guidelines, 2015. Collection method: clinical testing. Allele origin: germline.

Myriad Genetics, Inc.
Classification: Benign for Pheochromocytoma/paraganglioma syndrome 3. Last evaluated: 2025-03-13. Review status: criteria provided, single submitter. Criteria: Myriad Autosomal Dominant, Autosomal Recessive and X-Linked Classification Criteria (2023). Collection method: clinical testing. Allele origin: unknown.
Comment: This variant is considered benign. This variant is a silent/synonymous amino acid change and it is not expected to impact splicing.

Labcorp Genetics (formerly Invitae), Labcorp
Classification: Likely benign for Pheochromocytoma/paraganglioma syndrome 3; Gastrointestinal stromal tumor. Last evaluated: 2024-10-23. Review status: criteria provided, single submitter. Criteria: Invitae Variant Classification Sherloc (09022015). Collection method: clinical testing. Allele origin: germline.

Blueprint Genetics
Classification: Likely benign. Last evaluated: 2024-07-25. Review status: criteria provided, single submitter. Criteria: ACMG Guidelines, 2015. Collection method: clinical testing. Allele origin: germline.

Ambry Genetics
Classification: Likely benign for Hereditary cancer-predisposing syndrome. Last evaluated: 2023-12-29. Review status: criteria provided, single submitter. Criteria: Ambry Variant Classification Scheme 2023. Collection method: clinical testing. Allele origin: germline.